The following is an entry in ClinVar:

ClinVar aggregate classification (germline): Uncertain significance (1 of 4 stars; one submission).

Conditions:
Congenital primary aphakia. Also called: ANTERIOR SEGMENT DYSGENESIS 2; Anterior segment dysgenesis 2, multiple subtypes. Identifiers: Orphanet 83461, MedGen C1853230, MONDO:0012456, OMIM 610256.
Anterior segment dysgenesis. Also called: Ocular anterior segment dysgenesis. Identifiers: Orphanet 88632, MedGen C1862839, MONDO:0019503, HP:0007700.

Allele frequency attached by ClinVar (database versions not stated): gnomAD exomes below 0.00001; TOPMed below 0.00001.

Submission:

Labcorp Genetics (formerly Invitae), Labcorp
Classification: Uncertain significance for Anterior segment dysgenesis; Congenital primary aphakia. Last evaluated: 2022-09-27. Review status: criteria provided, single submitter. Criteria: Invitae Variant Classification Sherloc (09022015). Collection method: clinical testing. Allele origin: germline.
Comment: In summary, the available evidence is currently insufficient to determine the role of this variant in disease. Therefore, it has been classified as a Variant of Uncertain Significance. Algorithms developed to predict the effect of missense changes on protein structure and function (SIFT, PolyPhen-2, Align-GVGD) all suggest that this variant is likely to be tolerated. This variant has not been reported in the literature in individuals affected with FOXE3-related conditions. The frequency data for this variant in the population databases is considered unreliable, as metrics indicate poor data quality at this position in the gnomAD database. This sequence change replaces proline, which is neutral and non-polar, with serine, which is neutral and polar, at codon 27 of the FOXE3 protein (p.Pro27Ser).

NM_012186.3(FOXE3):c.79C>T (p.Pro27Ser)

Genes: FOXE3 (forkhead box E3; plus strand), LINC01389 (long independently transcribed non-coding RNA 1389; minus strand). Cytogenetic location: 1p33.
Variant type: single nucleotide variant.
Coding change: c.79C>T on transcript NM_012186.3 (MANE Select); coding-DNA position 79, C replaced by T.
Protein change: p.Pro27Ser; replaces proline 27 with serine.
Molecular consequence: missense variant.
Genome position (GRCh38, 1-based): chr1:47,416,394, C>T. VCF-style: chr1-47416394-C-T. GRCh37 (hg19) VCF-style: chr1-47882066-C-T.
Other names: short protein forms P27S.
Identifiers: ClinVar variation 2053649 (VCV002053649.4), dbSNP rs1482640449, ClinGen allele CA340248992.
Genomic context (GRCh38, chr1:47,416,394, plus strand): 5'-ATGGATCCGCCCGCCGCGTTCTCTGGCTTCCCTGCCCTGCCAGCGGTCGCGCCGTCGGGG[C>T]CGCCGCCGTCGCCGCTCGCAGGAGCCGAGCCAGGGCGGGAGCCAGAGGAGGCGGCGGCTG-3'
Protein context (NP_036318.1, residues 17-37): PALPAVAPSG[Pro27Ser]PPSPLAGAEP